The following is an entry in ClinVar:

ClinVar aggregate classification (germline): Uncertain significance (1 of 4 stars; one submission).

Conditions:
Neuropathy, hereditary sensory and autonomic, type 2A (HSAN2A). Also called: HSAN IIA; WNK1-Related HSAN2 (HSAN2A); ACROOSTEOLYSIS, GIACCAI TYPE; ACROOSTEOLYSIS, NEUROGENIC; MORVAN DISEASE; NEUROPATHY, CONGENITAL SENSORY. Identifiers: Orphanet 970, MedGen C2752089, MONDO:0024309, OMIM 201300.
Pseudohypoaldosteronism type 2C (PHA2C). Also called: Pseudohypoaldosteronism Type IIC. Identifiers: Orphanet 757, Orphanet 88940, MedGen C1840391, MONDO:0013778, OMIM 614492.

Allele frequency attached by ClinVar (database versions not stated): gnomAD exomes below 0.00001; gnomAD 0.00001; TOPMed 0.00001.

Submission:

Labcorp Genetics (formerly Invitae), Labcorp
Classification: Uncertain significance for Neuropathy, hereditary sensory and autonomic, type 2A; Pseudohypoaldosteronism type 2C. Last evaluated: 2022-11-10. Review status: criteria provided, single submitter. Criteria: Invitae Variant Classification Sherloc (09022015). Collection method: clinical testing. Allele origin: germline.
Comment: In summary, the available evidence is currently insufficient to determine the role of this variant in disease. Therefore, it has been classified as a Variant of Uncertain Significance. This variant has not been reported in the literature in individuals affected with WNK1-related conditions. This variant is present in population databases (no rsID available, gnomAD 0.01%). This sequence change creates a premature translational stop signal (p.Leu730Phefs*110) in the WNK1 gene. However, it is currently unclear if variants that occur in this region of the gene cause disease.

NM_213655.5(WNK1):c.2190del (p.Leu730fs)

Gene: WNK1 (WNK lysine deficient protein kinase 1; plus strand). Cytogenetic location: 12p13.33.
Variant type: Deletion.
Coding change: c.2190del on transcript NM_213655.5 (MANE Plus Clinical); coding-DNA position 2190, one base deleted (G; older notation c.2190delG).
Protein change: p.Leu730fs; shifts the reading frame from leucine 730.
Molecular consequence: frameshift variant. On other transcripts: intron variant (3).
Genome position (GRCh38, 1-based): chr12:865,160, G deleted. VCF-style (leftmost placement, unchanged base first): chr12-865159-TG-T. GRCh37 (hg19) VCF-style: chr12-974325-TG-T.
Other names: c.2140-2706del (NM_001184985.2); c.2139+2890del (NM_018979.4, NM_014823.3); short protein forms L730fs.
Identifiers: ClinVar variation 2927821 (VCV002927821.3), dbSNP rs1399783048, ClinGen allele CA603036558.